The following is an entry in ClinVar:

NM_005228.5(EGFR):c.775A>T (p.Thr259Ser)

Gene: EGFR (epidermal growth factor receptor; plus strand). Cytogenetic location: 7p11.2.
Variant type: single nucleotide variant.
Coding change: c.775A>T on transcript NM_005228.5 (MANE Select); coding-DNA position 775, A replaced by T.
Protein change: p.Thr259Ser; replaces threonine 259 with serine.
Molecular consequence: missense variant. On other transcripts: intron variant (1).
Genome position (GRCh38, 1-based): chr7:55,154,038, A>T. VCF-style: chr7-55154038-A-T. GRCh37 (hg19) VCF-style: chr7-55221731-A-T.
Other names: c.640A>T, p.Thr214Ser (NM_001346897.2, NM_001346899.2); c.775A>T, p.Thr259Ser (NM_001346898.2, NM_201282.2, NM_201283.2 and 1 more transcripts); c.616A>T, p.Thr206Ser (NM_001346900.2); c.89-1792A>T (NM_001346941.2); short protein forms T206S, T214S, T259S.
Identifiers: ClinVar variation 3843809 (VCV003843809.1).
Genomic context (GRCh38, chr7:55,154,038, plus strand): 5'-TCACTTGCCCAGCGTGTCCTCTCTCCTCCATAGGTCTGCCGCAAATTCCGAGACGAAGCC[A>T]CGTGCAAGGACACCTGCCCCCCACTCATGCTCTACAACCCCACCACGTACCAGATGGATG-3'
Protein context (NP_005219.2, residues 249-269): LVCRKFRDEA[Thr259Ser]CKDTCPPLML

ClinVar aggregate classification (germline): Uncertain significance (1 of 4 stars; one submission).

Conditions:
Hereditary cancer-predisposing syndrome. Also called: Hereditary neoplastic syndrome; Neoplastic Syndromes, Hereditary; Tumor predisposition; Hereditary Cancer Syndrome. Identifiers: Orphanet 140162, MedGen C0027672, MeSH D009386, MONDO:0015356.

Submission:

Ambry Genetics
Classification: Uncertain significance for Hereditary cancer-predisposing syndrome. Last evaluated: 2025-01-21. Review status: criteria provided, single submitter. Criteria: Ambry Variant Classification Scheme 2023. Collection method: clinical testing. Allele origin: germline.
Comment: The p.T259S variant (also known as c.775A>T), located in coding exon 7 of the EGFR gene, results from an A to T substitution at nucleotide position 775. The threonine at codon 259 is replaced by serine, an amino acid with similar properties. This amino acid position is conserved. In addition, this alteration is predicted to be tolerated by in silico analysis. Based on the available evidence, the clinical significance of this variant remains unclear.